The following is an entry in ClinVar:

ClinVar aggregate classification (germline): Pathogenic (1 of 4 stars; one submission).

Conditions:
Agenesis of the corpus callosum with peripheral neuropathy (ACCPN). Also called: CHARLEVOIX DISEASE; POLYNEUROPATHY, SENSORIMOTOR, WITH OR WITHOUT AGENESIS OF THE CORPUS CALLOSUM; HMSN/ACC; Hereditary Motor and Sensory Neuropathy with Agenesis of the Corpus Callosum. Identifiers: Orphanet 1496, MedGen C0795950, MONDO:0000902, OMIM 218000. Disease mechanism: loss of function.

Submission:

Myriad Genetics, Inc.
Classification: Pathogenic for Agenesis of the corpus callosum with peripheral neuropathy. Last evaluated: 2025-03-25. Review status: criteria provided, single submitter. Criteria: Myriad Autosomal Dominant, Autosomal Recessive and X-Linked Classification Criteria (2023). Collection method: clinical testing. Allele origin: unknown.
Comment: NM_133647.1(SLC12A6):c.1393delT(S465Lfs*5) is expected to be pathogenic in the context of Andermann syndrome. This variant is predicted to lead to an abnormal or absent protein product due to the creation of a premature termination codon in SLC12A6, a gene where loss-of-function variants are known to be pathogenic. Please note: this variant was assessed in the context of healthy population screening.

NM_001365088.1(SLC12A6):c.1393del (p.Ser465fs)

Gene: SLC12A6 (solute carrier family 12 member 6; minus strand). Cytogenetic location: 15q14.
Variant type: Deletion.
Coding change: c.1393del on transcript NM_001365088.1 (MANE Select); coding-DNA position 1393, one base deleted (T; older notation c.1393delT).
Protein change: p.Ser465fs; shifts the reading frame from serine 465.
Molecular consequence: frameshift variant.
Genome position (GRCh38, 1-based): chr15:34,250,998, A deleted on the plus strand (T on the coding strand, the reverse complement: SLC12A6 is on the minus strand). VCF-style (leftmost placement, unchanged base first): chr15-34250997-GA-G. GRCh37 (hg19) VCF-style: chr15-34543198-GA-G.
Other names: c.1216del, p.Ser406fs (NM_001042494.2, NM_001042495.2); c.1366del, p.Ser456fs (NM_001042496.2); c.1348del, p.Ser450fs (NM_001042497.2); c.1240del, p.Ser414fs (NM_005135.2); c.1393del, p.Ser465fs (NM_133647.2); short protein forms S406fs, S414fs, S450fs, S456fs, S465fs.
Identifiers: ClinVar variation 5014261 (VCV005014261.1).
Genomic context (GRCh38, chr15:34,250,997, plus strand): 5'-AAGGAGGTGGTGATGTCAACAAGAACATATTCATGGTTTAAGCTGCCTAAGACATCAGAA[GA>G]TTTGGCTGAAGGCTTTTCGATGATCTCTCCCTTGGGTAGGTAATTACTCCAAAGATTCTC-3'